The following is an entry in ClinVar:

ClinVar aggregate classification (germline): Uncertain significance (1 of 4 stars; one submission).

Conditions:
Hereditary cancer-predisposing syndrome. Also called: Tumor predisposition; Hereditary neoplastic syndrome; Hereditary Cancer Syndrome; Neoplastic Syndromes, Hereditary. Identifiers: Orphanet 140162, MedGen C0027672, MeSH D009386, MONDO:0015356.

Submission:

Ambry Genetics
Classification: Uncertain significance for Hereditary cancer-predisposing syndrome. Last evaluated: 2025-04-22. Review status: criteria provided, single submitter. Criteria: Ambry Variant Classification Scheme 2023. Collection method: clinical testing. Allele origin: germline.
Comment: The p.H269N variant (also known as c.805C>A), located in coding exon 7 of the SMARCB1 gene, results from a C to A substitution at nucleotide position 805. The histidine at codon 269 is replaced by asparagine, an amino acid with similar properties. This amino acid position is conserved. In addition, the in silico prediction for this alteration is inconclusive. Based on the available evidence, the clinical significance of this variant remains unclear.

NM_003073.5(SMARCB1):c.805C>A (p.His269Asn)

Gene: SMARCB1 (SWI/SNF related BAF chromatin remodeling complex subunit B1; plus strand). Cytogenetic location: 22q11.23.
Variant type: single nucleotide variant.
Coding change: c.805C>A on transcript NM_003073.5 (MANE Select); coding-DNA position 805, C replaced by A.
Protein change: p.His269Asn; replaces histidine 269 with asparagine.
Molecular consequence: missense variant.
Genome position (GRCh38, 1-based): chr22:23,825,234, C>A. VCF-style: chr22-23825234-C-A. GRCh37 (hg19) VCF-style: chr22-24167421-C-A.
Other names: c.778C>A, p.His260Asn (NM_001007468.3); c.832C>A, p.His278Asn (NM_001317946.2); c.859C>A, p.His287Asn (NM_001362877.2); short protein forms H287N, H260N, H269N, H278N.
Identifiers: ClinVar variation 3958525 (VCV003958525.1).